The following is an entry in ClinVar:

ClinVar aggregate classification (germline): Uncertain significance (1 of 4 stars; one submission).

Conditions:
Charcot-Marie-Tooth disease type 4. Also called: Charcot-Marie-Tooth, Type 4; Charcot-Marie-Tooth disease, type IV. Identifiers: Orphanet 64749, MedGen C4082197, MONDO:0018995.

Allele frequency attached by ClinVar (database versions not stated): gnomAD exomes below 0.00001 and 0.00001; ExAC 0.00001; gnomAD 0.00001 and 0.00002; TOPMed 0.00002.
gnomAD v4.1: 3 of 1,614,070 alleles (0.00019%); highest among the groups gnomAD compares: African/African-American, 0.004%; no homozygotes.

Submission:

Labcorp Genetics (formerly Invitae), Labcorp
Classification: Uncertain significance for Charcot-Marie-Tooth disease type 4. Last evaluated: 2024-02-20. Review status: criteria provided, single submitter. Criteria: Invitae Variant Classification Sherloc (09022015). Collection method: clinical testing. Allele origin: germline.
Comment: This sequence change replaces valine, which is neutral and non-polar, with alanine, which is neutral and non-polar, at codon 673 of the FGD4 protein (p.Val673Ala). This variant is present in population databases (rs776258252, gnomAD 0.01%). This variant has not been reported in the literature in individuals affected with FGD4-related conditions. ClinVar contains an entry for this variant (Variation ID: 1385642). Advanced modeling of protein sequence and biophysical properties (such as structural, functional, and spatial information, amino acid conservation, physicochemical variation, residue mobility, and thermodynamic stability) has been performed at Invitae for this missense variant, however the output from this modeling did not meet the statistical confidence thresholds required to predict the impact of this variant on FGD4 protein function. In summary, the available evidence is currently insufficient to determine the role of this variant in disease. Therefore, it has been classified as a Variant of Uncertain Significance.

NM_001370298.3(FGD4):c.2429T>C (p.Val810Ala)

Gene: FGD4 (FYVE, RhoGEF and PH domain containing 4; plus strand). Cytogenetic location: 12p11.21.
Variant type: single nucleotide variant.
Coding change: c.2429T>C on transcript NM_001370298.3 (MANE Select); coding-DNA position 2429, T replaced by C.
Protein change: p.Val810Ala; replaces valine 810 with alanine.
Molecular consequence: missense variant.
Genome position (GRCh38, 1-based): chr12:32,638,770, T>C. VCF-style: chr12-32638770-T-C. GRCh37 (hg19) VCF-style: chr12-32791704-T-C.
Other names: c.2273T>C, p.Val758Ala (NM_001304481.2); c.1274T>C, p.Val425Ala (NM_001304483.2); c.986T>C, p.Val329Ala (NM_001304484.2); c.1739T>C, p.Val580Ala (NM_001330373.2, NM_001330374.2, NM_001384130.1); c.1466T>C, p.Val489Ala (NM_001370297.1); c.2429T>C, p.Val810Ala (NM_001384126.1); c.2018T>C, p.Val673Ala (NM_001384127.1, NM_001384128.1, NM_001385118.1 and 1 more transcripts); short protein forms V329A, V810A, V425A, V673A, V758A, V489A, V580A.
Identifiers: ClinVar variation 1385642 (VCV001385642.8), dbSNP rs776258252, ClinGen allele CA6507064.